The following is an entry in ClinVar:

NM_001126108.2(SLC12A3):c.2936T>A (p.Ile979Lys)

Genes: SLC12A3 (solute carrier family 12 member 3; plus strand), LOC126862361 (CDK7 strongly-dependent group 2 enhancer GRCh37_chr16:56946332-56947531; plus strand). Cytogenetic location: 16q13.
Variant type: single nucleotide variant.
Coding change: c.2936T>A on transcript NM_001126108.2 (MANE Select); coding-DNA position 2936, T replaced by A.
Protein change: p.Ile979Lys; replaces isoleucine 979 with lysine.
Molecular consequence: missense variant.
Genome position (GRCh38, 1-based): chr16:56,913,275, T>A. VCF-style: chr16-56913275-T-A. GRCh37 (hg19) VCF-style: chr16-56947187-T-A.
Other names: c.2933T>A, p.Ile978Lys (NM_001410896.1); c.2963T>A, p.Ile988Lys (NM_000339.3); c.2960T>A, p.Ile987Lys (NM_001126107.2); short protein forms I978K, I979K, I987K, I988K.
Identifiers: ClinVar variation 4855108 (VCV004855108.1).

ClinVar aggregate classification (germline): Uncertain significance (1 of 4 stars; one submission).

Conditions:
Familial hypokalemia-hypomagnesemia (GTLMNS). Also called: HYPOMAGNESEMIA-HYPOKALEMIA, PRIMARY RENOTUBULAR, WITH HYPOCALCIURIA; POTASSIUM AND MAGNESIUM DEPLETION; gitelman syndrome. Identifiers: Orphanet 358, MedGen C0268450, MONDO:0009904, OMIM 263800.

Submission:

3billion
Classification: Uncertain significance for Familial hypokalemia-hypomagnesemia. Last evaluated: 2025-10-29. Review status: criteria provided, single submitter. Criteria: ACMG Guidelines, 2015. Collection method: clinical testing. Allele origin: germline. Affected: yes.
Comment: The variant is not observed in the gnomAD v4.1.0 dataset. Predicted Consequence/Location: Missense variant Damaging effect on gene or gene product predicted by in silico programs is uncertain [REVEL: 0.41 (damaging >=0.6, benign <0.4), 3Cnet: 0.37 (damaging >0.75, benign <0.1)]. Therefore, this variant is classified as VUS according to the recommendation of ACMG/AMP guideline.